The following is an entry in ClinVar:

NM_001242896.3(DEPDC5):c.4204del

Gene: DEPDC5 (DEP domain containing 5, GATOR1 subcomplex subunit; plus strand). Cytogenetic location: 22q12.3.
Variant type: Deletion.
Coding change: c.4204del on transcript NM_001242896.3 (MANE Select); coding-DNA position 4204, one base deleted (G; older notation c.4204delG).
Molecular consequence: splice acceptor variant.
Genome position (GRCh38, 1-based): chr22:31,897,482, G deleted; the last of 2 consecutive G bases (chr22:31,897,481-31,897,482); deleting either gives the same sequence. VCF-style (leftmost placement, unchanged base first): chr22-31897480-AG-A. GRCh37 (hg19) VCF-style: chr22-32293466-AG-A.
Identifiers: ClinVar variation 4683087 (VCV004683087.1).

ClinVar aggregate classification (germline): Pathogenic (1 of 4 stars; one submission).

Conditions:
Epilepsy, familial focal, with variable foci 1 (FFEVF1). Also called: DEPDC5-Related Epilepsy. Identifiers: MedGen C4551983, MONDO:0024556, OMIM 604364.

Submission:

Institute of Human Genetics, University of Leipzig Medical Center
Classification: Pathogenic for Epilepsy, familial focal, with variable foci 1. Last evaluated: 2025-12-01. Review status: criteria provided, single submitter. Criteria: ACMG Guidelines, 2015. Collection method: clinical testing. Allele origin: unknown. Inheritance: Autosomal dominant inheritance. Affected: yes.
Comment: Criteria applied: PVS1,PM2